The following is an entry in ClinVar:

ClinVar aggregate classification (germline): Likely benign. Review status: criteria provided, multiple submitters, no conflicts (2 of 4 stars). 2 submissions from 2 submitters: Likely benign (2). Last evaluated 2024-11-25.

gnomAD v4.1: 113 of 1,613,696 alleles (0.007%); highest among the groups gnomAD compares: South Asian, 0.048%; 1 homozygote.

Submissions (2):

Blueprint Genetics
Classification: Likely benign. Last evaluated: 2024-11-25. Review status: criteria provided, single submitter. Criteria: ACMG Guidelines, 2015. Collection method: clinical testing. Allele origin: germline.

CeGaT Center for Human Genetics Tuebingen
Classification: Likely benign. Last evaluated: 2024-03-01. Review status: criteria provided, single submitter. Criteria: CeGaT Center For Human Genetics Tuebingen Variant Classification Criteria Version 2. Collection method: clinical testing. Allele origin: germline. Affected: yes. Observed: 3 variant alleles.
Comment: TRIP12: BP4, BP7

NM_001348323.3(TRIP12):c.5376C>A (p.Pro1792=)

Gene: TRIP12 (thyroid hormone receptor interactor 12; minus strand). Cytogenetic location: 2q36.3.
Variant type: single nucleotide variant.
Coding change: c.5376C>A on transcript NM_001348323.3 (MANE Select); coding-DNA position 5376, C replaced by A.
Protein change: p.Pro1792=; no amino-acid change (proline 1792 retained).
Molecular consequence: synonymous variant.
Genome position (GRCh38, 1-based): chr2:229,777,468, G>T on the plus strand (C>A on the coding strand, the complement: TRIP12 is on the minus strand). VCF-style: chr2-229777468-G-T. GRCh37 (hg19) VCF-style: chr2-230642184-G-T.
Other names: c.5295C>A, p.Pro1765= (NM_001284214.2, NM_001348315.2); c.5250C>A, p.Pro1750= (NM_001284215.2, NM_001348316.2); c.4341C>A, p.Pro1447= (NM_001284216.2); c.5235C>A, p.Pro1745= (NM_001348317.1, NM_001348318.2); c.5361C>A, p.Pro1787= (NM_001348319.1, NM_001348320.2); c.5364C>A, p.Pro1788= (NM_001348321.1); c.5376C>A, p.Pro1792= (NM_001348322.1, NM_001348324.2, NM_001348325.2 and 2 more transcripts); c.5379C>A, p.Pro1793= (NM_001348328.1, NM_001348329.2, NM_001348330.2); and 4 more.
Identifiers: ClinVar variation 2651974 (VCV002651974.25), dbSNP rs756723896, ClinGen allele CA2152330.